The following is an entry in ClinVar:

NM_004629.2(FANCG):c.1145_1146insGGGGGGGGGGGGGGGGGGGGGGGGGGGGGGG (p.Phe382fs)

Gene: FANCG (FA complementation group G; minus strand). Cytogenetic location: 9p13.3.
Variant type: Insertion.
Coding change: c.1145_1146insGGGGGGGGGGGGGGGGGGGGGGGGGGGGGGG on transcript NM_004629.2 (MANE Select); coding-DNA positions 1145 to 1146, GGGGGGGGGGGGGGGGGGGGGGGGGGGGGGG inserted.
Protein change: p.Phe382fs; shifts the reading frame from phenylalanine 382.
Molecular consequence: frameshift variant.
Genome position: GRCh38: chr9:35,075,752-35,075,753. GRCh37 (hg19): chr9:35,075,749-35,075,750.
Other names: short protein forms F382fs.
Identifiers: ClinVar variation 4815362 (VCV004815362.1).

ClinVar aggregate classification (germline): Likely pathogenic (1 of 4 stars; one submission).

Conditions:
Fanconi anemia complementation group G. Also called: FANCG-Related Fanconi Anemia; Fanconi anemia group G. Identifiers: Orphanet 84, MedGen C3469527, MONDO:0013565, OMIM 614082.

Submission:

Natera, Inc.
Classification: Likely pathogenic for Fanconi anemia group G. Last evaluated: 2025-12-06. Review status: criteria provided, single submitter. Criteria: Natera Variant Classification Schema (03/2026). Collection method: clinical testing. Allele origin: germline.
Comment: The c.1145_1146insGGGGGGGGGGGGGGGGGGGGGGGGGGGGGGG variant in FANCG is a frameshift variant predicted to shift the reading frame beginning at codon 382 and leads to a stop codon 24 codons downstream. This variant is expected to result in nonsense mediated decay, truncation, or a dysfunctional protein product. This variant is rare in the general population with a frequency below the threshold expected for the associated phenotype(s). Given the available evidence, this variant is classified as Likely Pathogenic.